The following is an entry in ClinVar:

NM_006182.4(DDR2):c.2008G>A (p.Glu670Lys)

Gene: DDR2 (discoidin domain receptor tyrosine kinase 2; plus strand). Cytogenetic location: 1q23.3.
Variant type: single nucleotide variant.
Coding change: c.2008G>A on transcript NM_006182.4 (MANE Select); coding-DNA position 2008, G replaced by A.
Protein change: p.Glu670Lys; replaces glutamic acid 670 with lysine.
Molecular consequence: missense variant.
Genome position (GRCh38, 1-based): chr1:162,775,803, G>A. VCF-style: chr1-162775803-G-A. GRCh37 (hg19) VCF-style: chr1-162745593-G-A.
Other names: c.2008G>A, p.Glu670Lys (NM_001014796.3, NM_001354982.2, NM_001354983.2); short protein forms E670K.
Identifiers: ClinVar variation 3694324 (VCV003694324.2).

ClinVar aggregate classification (germline): Uncertain significance (1 of 4 stars; one submission).

gnomAD v4.1: 12 of 1,613,894 alleles (0.00074%); highest among the groups gnomAD compares: African/African-American, 0.0067%; no homozygotes.

Submission:

Labcorp Genetics (formerly Invitae), Labcorp
Classification: Uncertain significance. Last evaluated: 2025-01-29. Review status: criteria provided, single submitter. Criteria: Invitae Variant Classification Sherloc (09022015). Collection method: clinical testing. Allele origin: germline.
Comment: This sequence change replaces glutamic acid, which is acidic and polar, with lysine, which is basic and polar, at codon 670 of the DDR2 protein (p.Glu670Lys). This variant is present in population databases (rs769532262, gnomAD 0.007%). This variant has not been reported in the literature in individuals affected with DDR2-related conditions. An algorithm developed to predict the effect of missense changes on protein structure and function (PolyPhen-2) suggests that this variant is likely to be tolerated. In summary, the available evidence is currently insufficient to determine the role of this variant in disease. Therefore, it has been classified as a Variant of Uncertain Significance.